The following is an entry in ClinVar:

NM_000254.3(MTR):c.2117A>G (p.Asn706Ser)

Gene: MTR (5-methyltetrahydrofolate-homocysteine methyltransferase; plus strand). Cytogenetic location: 1q43.
Variant type: single nucleotide variant.
Coding change: c.2117A>G on transcript NM_000254.3 (MANE Select); coding-DNA position 2117, A replaced by G.
Protein change: p.Asn706Ser; replaces asparagine 706 with serine.
Molecular consequence: missense variant. On other transcripts: intron variant (1).
Genome position (GRCh38, 1-based): chr1:236,861,198, A>G. VCF-style: chr1-236861198-A-G. GRCh37 (hg19) VCF-style: chr1-237024498-A-G.
Other names: c.896A>G, p.Asn299Ser (NM_001291940.2); c.2044-1038A>G (NM_001291939.1); c.2117A>G (NM_000254.2); short protein forms N299S, N706S.
Identifiers: ClinVar variation 1380139 (VCV001380139.6), dbSNP rs147670189, ClinGen allele CA1474300.

ClinVar aggregate classification (germline): Uncertain significance. Review status: criteria provided, multiple submitters, no conflicts (2 of 4 stars). 2 submissions from 2 submitters: Uncertain significance (2). Last evaluated 2022-12-21.

Conditions:
Methylcobalamin deficiency type cblG (HMAG). Also called: HOMOCYSTINURIA-MEGALOBLASTIC ANEMIA, cblG COMPLEMENTATION TYPE; Functional methionine synthase deficiency type cblG; HOMOCYSTINURIA-MEGALOBLASTIC ANEMIA, cblG TYPE; HOMOCYSTINURIA-MEGALOBLASTIC ANEMIA DUE TO DEFECT IN COBALAMIN METABOLISM, cblG COMPLEMENTATION TYPE. Identifiers: Orphanet 2170, Orphanet 622, MedGen C1855128, MONDO:0009609, OMIM 250940.
Inborn genetic diseases. Identifiers: MedGen C0950123, MeSH D030342.

Allele frequency attached by ClinVar (database versions not stated): gnomAD exomes 0.00001 and 0.00003; ExAC 0.00003; gnomAD 0.00005; ESP Exome Variant Server 0.00015; 1000 Genomes Project 30x 0.00016; 1000 Genomes Project 0.00020.
gnomAD v4.1: 29 of 1,613,540 alleles (0.0018%); highest among the groups gnomAD compares: Middle Eastern, 0.05%; no homozygotes.

Submissions (2):

Ambry Genetics
Classification: Uncertain significance for Inborn genetic diseases. Last evaluated: 2022-12-21. Review status: criteria provided, single submitter. Criteria: Ambry Variant Classification Scheme 2023. Collection method: clinical testing. Allele origin: germline.

Labcorp Genetics (formerly Invitae), Labcorp
Classification: Uncertain significance for Methylcobalamin deficiency type cblG. Last evaluated: 2022-03-29. Review status: criteria provided, single submitter. Criteria: Invitae Variant Classification Sherloc (09022015). Collection method: clinical testing. Allele origin: germline.
Comment: This sequence change replaces asparagine, which is neutral and polar, with serine, which is neutral and polar, at codon 706 of the MTR protein (p.Asn706Ser). This variant is present in population databases (rs147670189, gnomAD 0.01%). This variant has not been reported in the literature in individuals affected with MTR-related conditions. Algorithms developed to predict the effect of missense changes on protein structure and function are either unavailable or do not agree on the potential impact of this missense change (SIFT: "Deleterious"; PolyPhen-2: "Benign"; Align-GVGD: "Class C0"). Algorithms developed to predict the effect of sequence changes on RNA splicing suggest that this variant may create or strengthen a splice site. In summary, the available evidence is currently insufficient to determine the role of this variant in disease. Therefore, it has been classified as a Variant of Uncertain Significance.